The following is an entry in ClinVar:

ClinVar aggregate classification (germline): Uncertain significance (1 of 4 stars; one submission).

Conditions:
Familial adenomatous polyposis 1 (FAP1). Also called: FAMILIAL ADENOMATOUS POLYPOSIS 1, ATTENUATED; POLYPOSIS, ADENOMATOUS INTESTINAL. Identifiers: MedGen C2713442, MONDO:0021056, OMIM 175100. Disease mechanism: loss of function.

Submission:

Labcorp Genetics (formerly Invitae), Labcorp
Classification: Uncertain significance for Familial adenomatous polyposis 1. Last evaluated: 2016-05-28. Review status: criteria provided, single submitter. Criteria: Invitae Variant Classification Sherloc (09022015). Collection method: clinical testing. Allele origin: germline.
Comment: This variant removes a portion of the armadillo-repeat region of APC (PMID: 11257105), which is suggested to be involved in the regulation of the actin cytoskeleton and cell-cell adhesion (PMID: 14672538,¬†17881494). The impact of a deletion within this region on APC tumor suppressive function is unknown (PMID: 11257105). In summary, this is a novel in-frame deletion with uncertain impact on protein function. It has been classified as a Variant of Uncertain Significance. This variant is a gross deletion of the genomic region encompassing exon 14 of the APC gene. This leads to an in-frame deletion, preserving the integrity of the reading frame. This variant has not been reported in the literature in individuals with a APC-related disease.

Literature cited by the submitters: PubMed 11257105; PubMed 14672538.

NC_000005.9:g.(?_112164547)_(112164675_?)del

Gene: APC (APC regulator of Wnt signaling pathway; plus strand). Cytogenetic location: 5q22.2.
Variant type: Deletion.
Identifiers: ClinVar variation 998810 (VCV000998810.46).